The following is an entry in ClinVar:

ClinVar aggregate classification (germline): Likely pathogenic. Review status: criteria provided, multiple submitters, no conflicts (2 of 4 stars). 2 submissions from 2 submitters: Likely pathogenic (2). Last evaluated 2024-02-02.

Conditions:
Cerebrooculofacioskeletal syndrome 2 (COFS2). Identifiers: MedGen C1853102, MONDO:0012553, OMIM 610756.
Trichothiodystrophy 1, photosensitive (TTD1). Also called: TAY SYNDROME; TRICHOTHIODYSTROPHY WITH CONGENITAL ICHTHYOSIS; PIBIDS SYNDROME. Identifiers: Orphanet 33364, MedGen C1866504, MONDO:0011125, OMIM 601675.
Xeroderma pigmentosum, group D (XPD). Also called: XERODERMA PIGMENTOSUM, COMPLEMENTATION GROUP D; XERODERMA PIGMENTOSUM IV; XP, GROUP D; XP, GROUP H; ERCC2-Related Xeroderma Pigmentosum. Identifiers: MedGen C0268138, MONDO:0010212, OMIM 278730.

Submissions (2):

Baylor Genetics
Classification: Likely pathogenic for Cerebrooculofacioskeletal syndrome 2. Last evaluated: 2024-02-02. Review status: criteria provided, single submitter. Criteria: ACMG Guidelines, 2015. Collection method: clinical testing. Allele origin: unknown.

Juno Genomics, Hangzhou Juno Genomics, Inc
Classification: Likely pathogenic for Cerebrooculofacioskeletal syndrome 2; Trichothiodystrophy 1, photosensitive; Xeroderma pigmentosum, group D. Review status: criteria provided, single submitter. Criteria: ACMG Guidelines, 2015. Collection method: clinical testing. Allele origin: germline.
Comment: Null variant in a gene where loss of function (LOF) is a known mechanism of disease.;Absent from controls (or at extremely low frequency if recessive) in Genome Aggregation Database.

NM_000400.4(ERCC2):c.256G>T (p.Glu86Ter)

Gene: ERCC2 (ERCC excision repair 2, TFIIH core complex helicase subunit; minus strand). Cytogenetic location: 19q13.32.
Variant type: single nucleotide variant.
Coding change: c.256G>T on transcript NM_000400.4 (MANE Select); coding-DNA position 256, G replaced by T.
Protein change: p.Glu86Ter; replaces glutamic acid 86 with a stop codon.
Molecular consequence: nonsense.
Genome position (GRCh38, 1-based): chr19:45,368,734, C>A on the plus strand (G>T on the coding strand, the complement: ERCC2 is on the minus strand). VCF-style: chr19-45368734-C-A. GRCh37 (hg19) VCF-style: chr19-45871992-C-A.
Other names: c.184G>T, p.Glu62Ter (NM_001130867.2); short protein forms E62*, E86*.
Identifiers: ClinVar variation 3241408 (VCV003241408.3), dbSNP rs2123313191.